The following is an entry in ClinVar:

ClinVar aggregate classification (germline): Uncertain significance (1 of 4 stars; one submission).

Conditions:
Cohen syndrome (COH1). Also called: PEPPER SYNDROME; Cutis verticis gyrata, retinitis pigmentosa, and sensorineural deafness. Identifiers: Orphanet 193, MedGen C0265223, MONDO:0008999, OMIM 216550.

Submission:

Labcorp Genetics (formerly Invitae), Labcorp
Classification: Uncertain significance for Cohen syndrome. Last evaluated: 2022-03-26. Review status: criteria provided, single submitter. Criteria: Invitae Variant Classification Sherloc (09022015). Collection method: clinical testing. Allele origin: germline.
Comment: This sequence change replaces methionine, which is neutral and non-polar, with threonine, which is neutral and polar, at codon 2532 of the VPS13B protein (p.Met2532Thr). This variant is not present in population databases (gnomAD no frequency). This variant has not been reported in the literature in individuals affected with VPS13B-related conditions. Algorithms developed to predict the effect of missense changes on protein structure and function are either unavailable or do not agree on the potential impact of this missense change (SIFT: "Not Available"; PolyPhen-2: "Benign"; Align-GVGD: "Not Available"). In summary, the available evidence is currently insufficient to determine the role of this variant in disease. Therefore, it has been classified as a Variant of Uncertain Significance.

NM_152564.5(VPS13B):c.7520T>C (p.Met2507Thr)

Gene: VPS13B (vacuolar protein sorting 13 homolog B; plus strand). Cytogenetic location: 8q22.2.
Variant type: single nucleotide variant.
Coding change: c.7520T>C on transcript NM_152564.5 (MANE Select); coding-DNA position 7520, T replaced by C.
Protein change: p.Met2507Thr; replaces methionine 2507 with threonine.
Molecular consequence: missense variant.
Genome position (GRCh38, 1-based): chr8:99,778,772, T>C. VCF-style: chr8-99778772-T-C. GRCh37 (hg19) VCF-style: chr8-100791000-T-C.
Other names: c.7595T>C, p.Met2532Thr (NM_017890.5); short protein forms M2532T, M2507T.
Identifiers: ClinVar variation 1990055 (VCV001990055.3), dbSNP rs1563913361, ClinGen allele CA371876137.